The following is an entry in ClinVar:

NM_000135.4(FANCA):c.2958C>A (p.Asn986Lys)

Gene: FANCA (FA complementation group A; minus strand). Cytogenetic location: 16q24.3.
Variant type: single nucleotide variant.
Coding change: c.2958C>A on transcript NM_000135.4 (MANE Select); coding-DNA position 2958, C replaced by A.
Protein change: p.Asn986Lys; replaces asparagine 986 with lysine.
Molecular consequence: missense variant.
Genome position (GRCh38, 1-based): chr16:89,758,600, G>T on the plus strand (C>A on the coding strand, the complement: FANCA is on the minus strand). VCF-style: chr16-89758600-G-T. GRCh37 (hg19) VCF-style: chr16-89825008-G-T.
Other names: c.2958C>A, p.Asn986Lys (NM_001286167.3); short protein forms N986K.
Identifiers: ClinVar variation 4022306 (VCV004022306.1).
Genomic context (GRCh38, chr16:89,758,600, plus strand): 5'-CCCTCCAGAGAACCCTAATACAGTGTGTGCTGCTAACCTTTGGTGGAAATCCATCAGTGC[G>T]TTGACAAGAATGGTACACGCAGCCTGCAGGTCTCCGTCACAGCCCCCTGAAGCCGAGGAC-3'
Protein context (NP_000126.2, residues 976-996): DLQAACTILV[Asn986Lys]ALMDFHQSSR

ClinVar aggregate classification (germline): Uncertain significance (1 of 4 stars; one submission).

Conditions:
Inborn genetic diseases. Identifiers: MedGen C0950123, MeSH D030342.

Submission:

Ambry Genetics
Classification: Uncertain significance for Inborn genetic diseases. Last evaluated: 2025-05-23. Review status: criteria provided, single submitter. Criteria: Ambry Variant Classification Scheme 2023. Collection method: clinical testing. Allele origin: germline.
Comment: The p.N986K variant (also known as c.2958C>A), located in coding exon 30 of the FANCA gene, results from a C to A substitution at nucleotide position 2958. The asparagine at codon 986 is replaced by lysine, an amino acid with similar properties. This amino acid position is conserved. In addition, this alteration is predicted to be tolerated by in silico analysis. Based on the available evidence, the clinical significance of this variant remains unclear.